The following is an entry in ClinVar:

NM_002386.4(MC1R):c.935T>C (p.Val312Ala)

Gene: MC1R (melanocortin 1 receptor; plus strand). Cytogenetic location: 16q24.3.
Variant type: single nucleotide variant.
Coding change: c.935T>C on transcript NM_002386.4 (MANE Select); coding-DNA position 935, T replaced by C.
Protein change: p.Val312Ala; replaces valine 312 with alanine.
Molecular consequence: missense variant.
Genome position (GRCh38, 1-based): chr16:89,920,193, T>C. VCF-style: chr16-89920193-T-C. GRCh37 (hg19) VCF-style: chr16-89986601-T-C.
Other names: short protein forms V312A.
Identifiers: ClinVar variation 701615 (VCV000701615.10), dbSNP rs745994833, ClinGen allele CA8255818.

ClinVar aggregate classification (germline): Conflicting classifications of pathogenicity. Review status: criteria provided, conflicting classifications (1 of 4 stars). 2 submissions from 2 submitters: Uncertain significance (1); Likely benign (1). Last evaluated 2024-12-08.

Conditions:
Melanoma, cutaneous malignant, susceptibility to, 5. Also called: Cutaneous malignant melanoma 5. Identifiers: Orphanet 618, MedGen C2751295, MONDO:0013133, OMIM 613099.

Allele frequency attached by ClinVar (database versions not stated): gnomAD 0.00002; gnomAD exomes 0.00023; TOPMed 0.00006; ExAC 0.00020.
gnomAD v4.1: 66 of 1,613,642 alleles (0.0041%); highest among the groups gnomAD compares: Admixed American, 0.11%; no homozygotes.

Submissions (2):

Ambry Genetics
Classification: Uncertain significance. Last evaluated: 2024-12-08. Review status: criteria provided, single submitter. Criteria: Ambry Variant Classification Scheme 2023. Collection method: clinical testing. Allele origin: germline.
Comment: The p.V312A variant (also known as c.935T>C), located in coding exon 1 of the MC1R gene, results from a T to C substitution at nucleotide position 935. The valine at codon 312 is replaced by alanine, an amino acid with similar properties. This amino acid position is conserved. In addition, this alteration is predicted to be tolerated by in silico analysis. Based on the available evidence, the clinical significance of this variant remains unclear.

Labcorp Genetics (formerly Invitae), Labcorp
Classification: Likely benign for Melanoma, cutaneous malignant, susceptibility to, 5. Last evaluated: 2024-06-07. Review status: criteria provided, single submitter. Criteria: Invitae Variant Classification Sherloc (09022015). Collection method: clinical testing. Allele origin: germline.